The following is an entry in ClinVar:

NM_004615.4(TSPAN7):c.462G>C (p.Gln154His)

Gene: TSPAN7 (tetraspanin 7; plus strand). Cytogenetic location: Xp11.4.
Variant type: single nucleotide variant.
Coding change: c.462G>C on transcript NM_004615.4 (MANE Select); coding-DNA position 462, G replaced by C.
Protein change: p.Gln154His; replaces glutamine 154 with histidine.
Molecular consequence: missense variant.
Genome position (GRCh38, 1-based): chrX:38,675,725, G>C. VCF-style: chrX-38675725-G-C. GRCh37 (hg19) VCF-style: chrX-38534979-G-C.
Other names: short protein forms Q154H.
Identifiers: ClinVar variation 1328719 (VCV001328719.2), dbSNP rs2147454989, ClinGen allele CA412982087.

ClinVar aggregate classification (germline): Uncertain significance (1 of 4 stars; one submission).

Submission:

GeneDx
Classification: Uncertain significance. Last evaluated: 2021-06-14. Review status: criteria provided, single submitter. Criteria: GeneDx Variant Classification Process June 2021. Collection method: clinical testing. Allele origin: germline. Affected: yes.
Comment: Not observed at significant frequency in large population cohorts (Lek et al., 2016); In silico analysis supports that this missense variant does not alter protein structure/function; Has not been previously published as pathogenic or benign to our knowledge; This variant is associated with the following publications: (PMID: 27535533)